The following is an entry in ClinVar:

NM_001364905.1(LRBA):c.3370A>T (p.Asn1124Tyr)

Gene: LRBA (LPS responsive beige-like anchor protein; minus strand). Cytogenetic location: 4q31.3.
Variant type: single nucleotide variant.
Coding change: c.3370A>T on transcript NM_001364905.1 (MANE Select); coding-DNA position 3370, A replaced by T.
Protein change: p.Asn1124Tyr; replaces asparagine 1124 with tyrosine.
Molecular consequence: missense variant.
Genome position (GRCh38, 1-based): chr4:150,852,340, T>A on the plus strand (A>T on the coding strand, the complement: LRBA is on the minus strand). VCF-style: chr4-150852340-T-A. GRCh37 (hg19) VCF-style: chr4-151773492-T-A.
Other names: c.3370A>T, p.Asn1124Tyr (NM_001199282.3, NM_001367550.1, NM_001440430.1 and 2 more transcripts); short protein forms N1124Y.
Identifiers: ClinVar variation 4745377 (VCV004745377.1).
Genomic context (GRCh38, chr4:150,852,340, plus strand): 5'-TTTCACCGGCTTCAGATGCAGCTGGAGACAAACTGTTATCTTGGAGCTCTGTGGGTAGAT[T>A]AGCTTCCTCAGTAGGACTGCCTTCTACTTTCAGTTCCACATAATCATCATCTTCCTCTTC-3'
Protein context (NP_001351834.1, residues 1114-1134): KVEGSPTEEA[Asn1124Tyr]LPTELQDNSL

ClinVar aggregate classification (germline): Uncertain significance (1 of 4 stars; one submission).

Conditions:
Combined immunodeficiency due to LRBA deficiency. Also called: Common variable immunodeficiency 8, with autoimmunity. Identifiers: Orphanet 445018, MedGen C3553512, MONDO:0013863, OMIM 614700.

gnomAD v4.1: 10 of 1,613,970 alleles (0.00062%); highest among the groups gnomAD compares: Non-Finnish European, 0.00085%; no homozygotes.

Submission:

Labcorp Genetics (formerly Invitae), Labcorp
Classification: Uncertain significance for Combined immunodeficiency due to LRBA deficiency. Last evaluated: 2026-01-27. Review status: criteria provided, single submitter. Criteria: Invitae Variant Classification Sherloc (09022015). Collection method: clinical testing. Allele origin: germline.
Comment: This sequence change replaces asparagine, which is neutral and polar, with tyrosine, which is neutral and polar, at codon 1124 of the LRBA protein (p.Asn1124Tyr). This variant is not present in population databases (gnomAD no frequency). This variant has not been reported in the literature in individuals affected with LRBA-related conditions. Invitae Evidence Modeling of protein sequence and biophysical properties (such as structural, functional, and spatial information, amino acid conservation, physicochemical variation, residue mobility, and thermodynamic stability) indicates that this missense variant is not expected to disrupt LRBA protein function with a negative predictive value of 80%. In summary, the available evidence is currently insufficient to determine the role of this variant in disease. Therefore, it has been classified as a Variant of Uncertain Significance.